The following is an entry in ClinVar:

NM_030653.4(DDX11):c.639-6A>G

Gene: DDX11 (DEAD/H-box helicase 11; plus strand). Cytogenetic location: 12p11.21.
Variant type: single nucleotide variant.
Coding change: c.639-6A>G on transcript NM_030653.4 (MANE Select); 6 bases into the intron before coding-DNA position 639, A replaced by G.
Molecular consequence: intron variant.
Genome position (GRCh38, 1-based): chr12:31,087,932, A>G. VCF-style: chr12-31087932-A-G. GRCh37 (hg19) VCF-style: chr12-31240866-A-G.
Other names: c.639-6A>G (NM_001413693.1, NM_152438.2, NM_004399.3 and 5 more transcripts); c.-223-6A>G (NM_001413705.1, NM_001413704.1); c.-240-6A>G (NM_001413706.1); c.552-6A>G (NM_001413700.1); c.111-6A>G (NM_001413702.1, NM_001413703.1); c.561-6A>G (NM_001413697.1, NM_001413699.1, NM_001257145.2 and 1 more transcripts).
Identifiers: ClinVar variation 4535719 (VCV004535719.1).

ClinVar aggregate classification (germline): Likely benign (1 of 4 stars; one submission).

Submission:

Women's Health and Genetics/Laboratory Corporation of America, LabCorp
Classification: Likely benign. Last evaluated: 2025-09-05. Review status: criteria provided, single submitter. Criteria: LabCorp Variant Classification Summary - May 2015. Collection method: clinical testing. Allele origin: germline.
Comment: Variant summary: DDX11 c.639-6A>G alters a nucleotide located at a position not widely known to affect splicing. Consensus agreement among computation tools predict no significant impact on normal splicing. However, these predictions have yet to be confirmed by functional studies. The variant was absent in 244114 control chromosomes. The available data on variant occurrences in the general population are insufficient to allow any conclusion about variant significance. To our knowledge, no occurrence of c.639-6A>G in individuals affected with DDX11-related conditions and no experimental evidence demonstrating its impact on protein function have been reported. No submitters have cited clinical-significance assessments for this variant to ClinVar. Based on the evidence outlined above, the variant was classified as likely benign.